The following is an entry in ClinVar:

ClinVar aggregate classification (germline): Conflicting classifications of pathogenicity. Review status: criteria provided, conflicting classifications (1 of 4 stars). 14 submissions from 14 submitters: Uncertain significance (1); Benign (1); Likely benign (8). 4 of the submissions do not count toward it. Last evaluated 2026-02-02.

Conditions:
Factor I deficiency (CFID). Also called: Complement factor I deficiency. Identifiers: Orphanet 200418, MedGen C3463916, MONDO:0012594, OMIM 610984.
Atypical hemolytic-uremic syndrome with I factor anomaly. Also called: HEMOLYTIC UREMIC SYNDROME, ATYPICAL, SUSCEPTIBILITY TO, 3; AHUS, SUSCEPTIBILITY TO, 3. Identifiers: Orphanet 2134, MedGen C2752039, MONDO:0013041, OMIM 612923.
Age related macular degeneration 13. Identifiers: MedGen C3809523, MONDO:0014189, OMIM 615439.
CFI-related disorder. Also called: CFI-related condition; CFI-related disorders. Identifiers: MedGen CN239325.
Atypical hemolytic-uremic syndrome. Identifiers: Orphanet 2134, MedGen C2931788, MONDO:0016244.
Chronic kidney disease. Identifiers: MedGen C1561643, MONDO:0005300, HP:0012622.

Allele frequency attached by ClinVar (database versions not stated): TOPMed 0.00153; ESP Exome Variant Server 0.00169; gnomAD exomes 0.00232 and 0.00136; 1000 Genomes Project 30x 0.00031; 1000 Genomes Project 0.00040; ExAC 0.00133; gnomAD 0.00149 and 0.00153.
gnomAD v4.1: 3,587 of 1,613,380 alleles (0.22%); highest among the groups gnomAD compares: Middle Eastern, 0.56%; 4 homozygotes.

Submissions (14):

Labcorp Genetics (formerly Invitae), Labcorp
Classification: Likely benign. Last evaluated: 2026-02-02. Review status: criteria provided, single submitter. Criteria: Invitae Variant Classification Sherloc (09022015). Collection method: clinical testing. Allele origin: germline.

Genomenon, Inc
Classification: Benign for CFI-related disorder. Last evaluated: 2025-09-26. Review status: criteria provided, single submitter. Criteria: Genomenon Sequence Variant Interpretation Standards - Updated. Collection method: curation. Allele origin: germline. Affected: yes.
Comment: CFI p.Gly261Asp (c.782G>A) is a missense variant that changes the amino acid at residue 261 from Glycine to Aspartic acid. This variant has been observed in at least one proband affected with a CFI-related disorder (PMID:17084897;20513133;27268256;37954579;20595690;17018561;37744338;38041748;22456601;22834933;30046676;24009284;23307876;33270832;30077216;30890598;22673887). Well-established functional studies show no damaging effect of this variant on protein function, supporting a benign classification (PMID:17084897;17597211). The variant is located in a mutational hotspot. This variant’s allele frequency in gnomAD is greater than expected for this disorder. In silico models agree that this variant is not damaging. In conclusion, we classify CFI p.Gly261Asp (c.782G>A) as a benign variant.

Genomic Medicine Center of Excellence, King Faisal Specialist Hospital and Research Centre
Classification: Likely benign. Last evaluated: 2025-08-18. Review status: criteria provided, single submitter. Criteria: ACMG Guidelines, 2015. Collection method: clinical testing. Allele origin: germline.

CeGaT Center for Human Genetics Tuebingen
Classification: Likely benign. Last evaluated: 2025-06-01. Review status: criteria provided, single submitter. Criteria: CeGaT Center For Human Genetics Tuebingen Variant Classification Criteria Version 2. Collection method: clinical testing. Allele origin: germline. Affected: yes. Observed: 6 variant alleles.
Comment: CFI: BP4

Blueprint Genetics
Classification: Uncertain significance. Last evaluated: 2024-11-08. Review status: criteria provided, single submitter. Criteria: ACMG Guidelines, 2015. Collection method: clinical testing. Allele origin: germline.

Fulgent Genetics
Classification: Likely benign for Factor I deficiency; Atypical hemolytic-uremic syndrome with I factor anomaly; Age related macular degeneration 13. Last evaluated: 2022-04-06. Review status: criteria provided, single submitter. Criteria: ACMG Guidelines, 2015. Collection method: clinical testing. Allele origin: unknown.

Genome Diagnostics Laboratory, The Hospital for Sick Children
Classification: Likely benign for Atypical hemolytic-uremic syndrome. Last evaluated: 2021-01-05. Review status: criteria provided, single submitter. Criteria: ACMG Guidelines, 2015. Collection method: clinical testing. Allele origin: germline.

Cavalleri Lab, Royal College of Surgeons in Ireland
Classification: Likely benign for Chronic kidney disease. Last evaluated: 2020-05-28. Review status: criteria provided, single submitter. Criteria: ACMG Guidelines, 2015. Collection method: research. Allele origin: unknown. Inheritance: Autosomal dominant inheritance. Affected: yes.
Comment: PP3, BP6, BS1

Illumina Laboratory Services, Illumina
Classification: Likely benign for Atypical hemolytic-uremic syndrome with I factor anomaly. Last evaluated: 2017-04-27. Review status: criteria provided, single submitter. Criteria: ICSL Variant Classification Criteria 13 December 2019. Collection method: clinical testing. Allele origin: germline.
Comment: This variant was observed as part of a predisposition screen in an ostensibly healthy population. A literature search was performed for the gene, cDNA change, and amino acid change (where applicable). No publications were found based on this search. Allele frequency data from public databases allowed determination this variant is unlikely to cause disease. Therefore, this variant is classified as likely benign.

Breakthrough Genomics
Classification: Likely benign. Review status: criteria provided, single submitter. Criteria: ACMG Guidelines, 2015. Collection method: not provided. Allele origin: germline. Inheritance: Autosomal recessive inheritance. Affected: yes.

PreventionGenetics, part of Exact Sciences
Classification: Likely benign for CFI-related condition. Last evaluated: 2023-06-07. Review status: no assertion criteria provided. Collection method: clinical testing. Allele origin: germline. Not counted in ClinVar's aggregate classification.
Comment: This variant is classified as likely benign based on ACMG/AMP sequence variant interpretation guidelines (Richards et al. 2015 PMID: 25741868, with internal and published modifications).

GeneReviews
No classification provided. Condition: Atypical hemolytic-uremic syndrome with I factor anomaly. Review status: no classification provided. Collection method: literature only. Allele origin: unknown. Not counted in ClinVar's aggregate classification.

Genome Diagnostics Laboratory, University Medical Center Utrecht
Classification: Likely benign. Review status: no assertion criteria provided. Collection method: clinical testing. Allele origin: germline. Affected: yes. Study: VKGL Data-share Consensus. Not counted in ClinVar's aggregate classification.

Joint Genome Diagnostic Labs from Nijmegen and Maastricht, Radboudumc and MUMC+
Classification: Likely benign. Review status: no assertion criteria provided. Collection method: clinical testing. Allele origin: germline. Affected: yes. Study: VKGL Data-share Consensus. Not counted in ClinVar's aggregate classification.

Literature cited by the submitters: PubMed 17084897 (cited by Genomenon, Inc and GeneReviews); 20513133 (cited by Genomenon, Inc); 27268256 (cited by Genomenon, Inc); 37954579 (cited by Genomenon, Inc); 20595690 (cited by Genomenon, Inc); 17018561 (cited by Genomenon, Inc); 37744338 (cited by Genomenon, Inc); 38041748 (cited by Genomenon, Inc); 22456601 (cited by Genomenon, Inc); 22834933 (cited by Genomenon, Inc); 30046676 (cited by Genomenon, Inc); 24009284 (cited by Genomenon, Inc); 23307876 (cited by Genomenon, Inc); 33270832 (cited by Genomenon, Inc); 30077216 (cited by Genomenon, Inc); 30890598 (cited by Genomenon, Inc); 22673887 (cited by Genomenon, Inc); 17597211 (cited by Genomenon, Inc); PubMed 20301541 (cited by GeneReviews); NCBI Bookshelf NBK1367 (cited by GeneReviews).

NM_000204.5(CFI):c.782G>A (p.Gly261Asp)

Gene: CFI (complement factor I; minus strand). Cytogenetic location: 4q25.
Variant type: single nucleotide variant.
Coding change: c.782G>A on transcript NM_000204.5 (MANE Select); coding-DNA position 782, G replaced by A.
Protein change: p.Gly261Asp; replaces glycine 261 with aspartic acid.
Molecular consequence: missense variant. On other transcripts: non-coding transcript variant (3).
Genome position (GRCh38, 1-based): chr4:109,760,371, C>T on the plus strand (G>A on the coding strand, the complement: CFI is on the minus strand). VCF-style: chr4-109760371-C-T. GRCh37 (hg19) VCF-style: chr4-110681527-C-T.
Other names: c.782G>A, p.Gly261Asp (NM_001318057.2, NM_001331035.2, NM_001375278.1 and 5 more transcripts); c.173G>A, p.Gly58Asp (NM_001375284.1); short protein forms G261D, G58D.
Identifiers: ClinVar variation 65580 (VCV000065580.50), dbSNP rs112534524, ClinGen allele CA344907.
Genomic context (GRCh38, chr4:109,760,371, plus strand): 5'-TCACCATTGCATTGATACTGGCTTGGAATGCAAACACCCGATTTGCAATGGAAGCCTTTG[C>T]CTTGGCATGCTGTGCAAACATAAGCAGGAGAGGTTTTTTTCATTCCTTAAAGTTGAATGA-3'
Protein context (NP_000195.3, residues 251-271): SDELCCKACQ[Gly261Asp]KGFHCKSGVC